The following is an entry in ClinVar:

ClinVar aggregate classification (germline): Uncertain significance. Review status: criteria provided, multiple submitters, no conflicts (2 of 4 stars). 2 submissions from 2 submitters: Uncertain significance (2). Last evaluated 2024-01-11.

Conditions:
Familial adenomatous polyposis 1 (FAP1). Also called: FAMILIAL ADENOMATOUS POLYPOSIS 1, ATTENUATED; POLYPOSIS, ADENOMATOUS INTESTINAL. Identifiers: MedGen C2713442, MONDO:0021056, OMIM 175100. Disease mechanism: loss of function.

Allele frequency attached by ClinVar (database versions not stated): gnomAD exomes below 0.00001.
gnomAD v4.1: 1 of 1,613,980 alleles (0.000062%); highest among the groups gnomAD compares: Non-Finnish European, 0.000085%; no homozygotes.

Submissions (2):

GeneDx
Classification: Uncertain significance. Last evaluated: 2024-01-11. Review status: criteria provided, single submitter. Criteria: GeneDx Variant Classification Process June 2021. Collection method: clinical testing. Allele origin: germline. Affected: yes.
Comment: Not observed at significant frequency in large population cohorts (gnomAD); In silico analysis supports that this missense variant does not alter protein structure/function; Has not been previously published as pathogenic or benign to our knowledge

Labcorp Genetics (formerly Invitae), Labcorp
Classification: Uncertain significance for Familial adenomatous polyposis 1. Last evaluated: 2023-04-24. Review status: criteria provided, single submitter. Criteria: Invitae Variant Classification Sherloc (09022015). Collection method: clinical testing. Allele origin: germline.
Comment: This variant is not present in population databases (gnomAD no frequency). In summary, the available evidence is currently insufficient to determine the role of this variant in disease. Therefore, it has been classified as a Variant of Uncertain Significance. Advanced modeling of protein sequence and biophysical properties (such as structural, functional, and spatial information, amino acid conservation, physicochemical variation, residue mobility, and thermodynamic stability) performed at Invitae indicates that this missense variant is not expected to disrupt APC protein function. This variant has not been reported in the literature in individuals affected with APC-related conditions. This sequence change replaces threonine, which is neutral and polar, with isoleucine, which is neutral and non-polar, at codon 2451 of the APC protein (p.Thr2451Ile).

NM_000038.6(APC):c.7352C>T (p.Thr2451Ile)

Gene: APC (APC regulator of Wnt signaling pathway; plus strand). Cytogenetic location: 5q22.2.
Variant type: single nucleotide variant.
Coding change: c.7352C>T on transcript NM_000038.6 (MANE Select); coding-DNA position 7352, C replaced by T.
Protein change: p.Thr2451Ile; replaces threonine 2451 with isoleucine.
Molecular consequence: missense variant. On other transcripts: non-coding transcript variant (2).
Genome position (GRCh38, 1-based): chr5:112,842,946, C>T. VCF-style: chr5-112842946-C-T. GRCh37 (hg19) VCF-style: chr5-112178643-C-T.
Other names: c.7352C>T, p.Thr2451Ile (NM_001127510.3, NM_001354895.2, NM_001407450.1); c.7298C>T, p.Thr2433Ile (NM_001127511.3); c.7406C>T, p.Thr2469Ile (NM_001354896.2, NM_001407447.1, NM_001407448.1 and 1 more transcripts); c.7382C>T, p.Thr2461Ile (NM_001354897.2); c.7277C>T, p.Thr2426Ile (NM_001354898.2); c.7268C>T, p.Thr2423Ile (NM_001354899.2); c.7229C>T, p.Thr2410Ile (NM_001354900.2); c.7175C>T, p.Thr2392Ile (NM_001354901.2, NM_001407453.1); and 12 more; short protein forms T2291I, T2368I, T2392I, T2433I, T2479I, T2168I, T2325I, T2423I.
Identifiers: ClinVar variation 2858097 (VCV002858097.4), dbSNP rs1580681496, ClinGen allele CA16037344.